The following is an entry in ClinVar:

NM_005548.3(KARS1):c.1253-3C>T

Gene: KARS1 (lysyl-tRNA synthetase 1; minus strand). Cytogenetic location: 16q23.1.
Variant type: single nucleotide variant.
Coding change: c.1253-3C>T on transcript NM_005548.3 (MANE Select); 3 bases into the intron before coding-DNA position 1253, C replaced by T.
Molecular consequence: intron variant.
Genome position (GRCh38, 1-based): chr16:75,631,256, G>A on the plus strand (C>T on the coding strand, the complement: KARS1 is on the minus strand). VCF-style: chr16-75631256-G-A. GRCh37 (hg19) VCF-style: chr16-75665154-G-A.
Other names: c.1337-3C>T (NM_001130089.2); c.785-3C>T (NM_001378148.1).
Identifiers: ClinVar variation 1988591 (VCV001988591.2), dbSNP rs374965622, ClinGen allele CA8177332.

ClinVar aggregate classification (germline): Uncertain significance (1 of 4 stars; one submission).

Allele frequency attached by ClinVar (database versions not stated): gnomAD exomes 0.00001; ExAC 0.00004; gnomAD 0.00008; TOPMed 0.00008; ESP Exome Variant Server 0.00031.

Submission:

Labcorp Genetics (formerly Invitae), Labcorp
Classification: Uncertain significance. Last evaluated: 2026-01-31. Review status: criteria provided, single submitter. Criteria: Invitae Variant Classification Sherloc (09022015). Collection method: clinical testing. Allele origin: germline.
Comment: This sequence change falls in intron 10 of the KARS gene. It does not directly change the encoded amino acid sequence of the KARS protein. It affects a nucleotide within the consensus splice site. This variant is present in population databases (rs374965622, gnomAD 0.04%). This variant has not been reported in the literature in individuals affected with KARS-related conditions. ClinVar contains an entry for this variant (Variation ID: 1988591). Variants that disrupt the consensus splice site are a relatively common cause of aberrant splicing (PMID: 17576681, 9536098). Algorithms developed to predict the effect of sequence changes on RNA splicing suggest that this variant is not likely to affect RNA splicing. In summary, the available evidence is currently insufficient to determine the role of this variant in disease. Therefore, it has been classified as a Variant of Uncertain Significance.

Literature cited by the submitters: PubMed 17576681; PubMed 9536098.